The following is an entry in ClinVar:

NM_003383.5(VLDLR):c.-19_-18insGGCACC

Genes: VLDLR (very low density lipoprotein receptor; plus strand), VLDLR-AS1 (VLDLR antisense RNA 1; minus strand). Cytogenetic location: 9p24.2.
Variant type: Insertion.
Coding change: c.-19_-18insGGCACC on transcript NM_003383.5 (MANE Select); 19 bases upstream of the start codon through 18 bases upstream of the start codon, GGCACC inserted.
Molecular consequence: 5 prime UTR variant. On other transcripts: non-coding transcript variant (1).
Genome position: GRCh38 VCF-style: chr9-2622170-G-GCGGCAC. GRCh37 (hg19) VCF-style: chr9-2622170-G-GCGGCAC.
Other names: c.-19_-18insGGCACC (NM_001018056.3, NM_001322225.2, NM_001322226.2).
Identifiers: ClinVar variation 420327 (VCV000420327.1), dbSNP rs1554617689, ClinGen allele CA16618844.
Genomic context (GRCh38, chr9:2,622,170, plus strand): 5'-CTTTCGGAAGGACTGGTAACTTGTCGTGCGGAGCGAACGGCGGCGGCGGCGGCGGCGGCG[G>GCGGCAC]CACCATCCAGGCGGGCACCATGGGCACGTCCGCGCTCTGGGCGCTCTGGCTGCTGCTCGC-3'

ClinVar aggregate classification (germline): Likely benign (1 of 4 stars; one submission).

Submission:

GeneDx
Classification: Likely benign. Last evaluated: 2016-01-22. Review status: criteria provided, single submitter. Criteria: GeneDx Variant Classification (06012015). Collection method: clinical testing. Allele origin: germline. Affected: yes.
Comment: This variant is considered likely benign or benign based on one or more of the following criteria: it is a conservative change, it occurs at a poorly conserved position in the protein, it is predicted to be benign by multiple in silico algorithms, and/or has population frequency not consistent with disease.